The following is an entry in ClinVar:

NM_001457.4(FLNB):c.3365C>T (p.Pro1122Leu)

Gene: FLNB (filamin B; plus strand). Cytogenetic location: 3p14.3.
Variant type: single nucleotide variant.
Coding change: c.3365C>T on transcript NM_001457.4 (MANE Select); coding-DNA position 3365, C replaced by T.
Protein change: p.Pro1122Leu; replaces proline 1122 with leucine.
Molecular consequence: missense variant.
Genome position (GRCh38, 1-based): chr3:58,123,331, C>T. VCF-style: chr3-58123331-C-T. GRCh37 (hg19) VCF-style: chr3-58109058-C-T.
Other names: c.3365C>T, p.Pro1122Leu (NM_001164317.2, NM_001164318.2, NM_001164319.2); short protein forms P1122L.
Identifiers: ClinVar variation 3731230 (VCV003731230.1).

ClinVar aggregate classification (germline): Uncertain significance (1 of 4 stars; one submission).

Submission:

GeneDx
Classification: Uncertain significance. Last evaluated: 2024-08-17. Review status: criteria provided, single submitter. Criteria: GeneDx Variant Classification Process June 2021. Collection method: clinical testing. Allele origin: germline. Affected: yes.
Comment: Not observed at significant frequency in large population cohorts (gnomAD); In silico analysis supports that this missense variant has a deleterious effect on protein structure/function; Has not been previously published as pathogenic or benign to our knowledge